The following is an entry in ClinVar:

ClinVar aggregate classification (germline): Likely pathogenic (1 of 4 stars; one submission).

Conditions:
Charlevoix-Saguenay spastic ataxia (SACS). Also called: AUTOSOMAL RECESSIVE SPASTIC ATAXIA OF CHARLEVOIX-SAGUENAY; Spastic ataxia of Charlevoix-Saguenay; SPASTIC ATAXIA 6, AUTOSOMAL RECESSIVE. Identifiers: Orphanet 98, MedGen C1849140, MONDO:0010041, OMIM 270550.

Submission:

Natera, Inc.
Classification: Likely pathogenic for Charlevoix-Saguenay type spastic ataxia. Last evaluated: 2024-10-21. Review status: criteria provided, single submitter. Criteria: Natera Variant Classification Schema (03/2026). Collection method: clinical testing. Allele origin: germline.
Comment: The c.3404T>A variant in SACS is a nonsense variant predicted to introduce a stop codon at amino acid 1135. This variant is expected to result in nonsense mediated decay, truncation, or a dysfunctional protein product. This variant is rare in the general population with a frequency below the threshold expected for the associated phenotype(s). Given the available evidence, this variant is classified as Likely Pathogenic.

NM_014363.6(SACS):c.3404T>A (p.Leu1135Ter)

Gene: SACS (sacsin molecular chaperone; minus strand). Cytogenetic location: 13q12.12.
Variant type: single nucleotide variant.
Coding change: c.3404T>A on transcript NM_014363.6 (MANE Select); coding-DNA position 3404, T replaced by A.
Protein change: p.Leu1135Ter; replaces leucine 1135 with a stop codon.
Molecular consequence: nonsense.
Genome position (GRCh38, 1-based): chr13:23,340,472, A>T on the plus strand (T>A on the coding strand, the complement: SACS is on the minus strand). VCF-style: chr13-23340472-A-T. GRCh37 (hg19) VCF-style: chr13-23914611-A-T.
Other names: c.2963T>A, p.Leu988Ter (NM_001278055.2); c.3431T>A, p.Leu1144Ter (NM_001437336.1); short protein forms L1135*, L1144*, L988*.
Identifiers: ClinVar variation 4815694 (VCV004815694.1).